The following is an entry in ClinVar:

NM_001101.5(ACTB):c.868C>T (p.Arg290Cys)

Gene: ACTB (actin beta; minus strand). Cytogenetic location: 7p22.1.
Variant type: single nucleotide variant.
Coding change: c.868C>T on transcript NM_001101.5 (MANE Select); coding-DNA position 868, C replaced by T.
Protein change: p.Arg290Cys; replaces arginine 290 with cysteine.
Molecular consequence: missense variant.
Genome position (GRCh38, 1-based): chr7:5,528,120, G>A on the plus strand (C>T on the coding strand, the complement: ACTB is on the minus strand). VCF-style: chr7-5528120-G-A. GRCh37 (hg19) VCF-style: chr7-5567751-G-A.
Other names: c.868C>T (LRG_132t1); short protein forms R290C.
Identifiers: ClinVar variation 372616 (VCV000372616.1), dbSNP rs1057517888, ClinGen allele CA16042689.

ClinVar aggregate classification (germline): Likely pathogenic (1 of 4 stars; one submission).

Submission:

GeneDx
Classification: Likely pathogenic. Last evaluated: 2016-01-11. Review status: criteria provided, single submitter. Criteria: GeneDx Variant Classification (06012015). Collection method: clinical testing. Allele origin: germline. Affected: yes.
Comment: The R290C variant in the ACTB gene has not been reported previously as a pathogenic variant, nor as a benign variant, to our knowledge. The R290C variant was not observed in approximately 6500 individuals of European and African American ancestry in the NHLBI Exome Sequencing Project, indicating it is not a common benign variant in these populations. The R290C variant is a non-conservative amino acid substitution, which is likely to impact secondary protein structure as these residues differ in polarity, charge, size and/or other properties. This substitution occurs at a position that is conserved across species. In silico analysis predicts this variant is probably damaging to the protein structure/function. The R290C variant is a strong candidate for a pathogenic variant